The following is an entry in ClinVar:

ClinVar aggregate classification (germline): Conflicting classifications of pathogenicity. Review status: criteria provided, conflicting classifications (1 of 4 stars). 2 submissions from 2 submitters: Uncertain significance (1); Likely benign (1). Last evaluated 2024-02-17.

Conditions:
Hereditary nonpolyposis colorectal neoplasms. Identifiers: MedGen C0009405, MeSH D003123.

Submissions (2):

Labcorp Genetics (formerly Invitae), Labcorp
Classification: Likely benign for Hereditary nonpolyposis colorectal neoplasms. Last evaluated: 2024-02-17. Review status: criteria provided, single submitter. Criteria: Invitae Variant Classification Sherloc (09022015). Collection method: clinical testing. Allele origin: germline.

GeneDx
Classification: Uncertain significance. Last evaluated: 2021-04-15. Review status: criteria provided, single submitter. Criteria: GeneDx Variant Classification Process June 2021. Collection method: clinical testing. Allele origin: germline. Affected: yes.
Comment: Not observed in large population cohorts (Lek 2016); Has not been previously published as pathogenic or benign to our knowledge; In silico analysis, which includes splice predictors and evolutionary conservation, is inconclusive as to whether the variant alters gene splicing. In the absence of RNA/functional studies, the actual effect of this sequence change is unknown.

NM_000535.7(PMS2):c.804-8T>C

Gene: PMS2 (PMS1 homolog 2, mismatch repair system component; minus strand). Cytogenetic location: 7p22.1.
Variant type: single nucleotide variant.
Coding change: c.804-8T>C on transcript NM_000535.7 (MANE Select); 8 bases into the intron before coding-DNA position 804, T replaced by C.
Molecular consequence: intron variant.
Genome position (GRCh38, 1-based): chr7:5,995,641, A>G on the plus strand (T>C on the coding strand, the complement: PMS2 is on the minus strand). VCF-style: chr7-5995641-A-G. GRCh37 (hg19) VCF-style: chr7-6035272-A-G.
Other names: c.486-8T>C (NM_001322008.2, NM_001322007.2); c.399-8T>C (NM_001322010.2, NM_001322004.2, NM_001322003.2 and 2 more transcripts); c.231-8T>C (NM_001322013.2); c.-130-8T>C (NM_001322012.2, NM_001322011.2); c.495-8T>C (NM_001322015.2); c.804-8T>C (NM_001322006.2, NM_001322014.2).
Identifiers: ClinVar variation 582122 (VCV000582122.12), dbSNP rs1562664890, ClinGen allele CA891843335.